The following is an entry in ClinVar:

NM_024422.6(DSC2):c.1292T>C (p.Met431Thr)

Gene: DSC2 (desmocollin 2; minus strand). Cytogenetic location: 18q12.1.
Variant type: single nucleotide variant.
Coding change: c.1292T>C on transcript NM_024422.6 (MANE Select); coding-DNA position 1292, T replaced by C.
Protein change: p.Met431Thr; replaces methionine 431 with threonine.
Molecular consequence: missense variant.
Genome position (GRCh38, 1-based): chr18:31,080,324, A>G on the plus strand (T>C on the coding strand, the complement: DSC2 is on the minus strand). VCF-style: chr18-31080324-A-G. GRCh37 (hg19) VCF-style: chr18-28660290-A-G.
Other names: c.1292T>C, p.Met431Thr (NM_004949.5); short protein forms M431T.
Identifiers: ClinVar variation 921018 (VCV000921018.6), dbSNP rs766923814, ClinGen allele CA402108934.

ClinVar aggregate classification (germline): Uncertain significance. Review status: criteria provided, multiple submitters, no conflicts (2 of 4 stars). 2 submissions from 2 submitters: Uncertain significance (2). Last evaluated 2023-12-05.

Conditions:
Cardiomyopathy (CMYO). Also called: Cardiomyopathies. Identifiers: Orphanet 167848, MedGen C0878544, MONDO:0004994, HP:0001638. Inheritance: Various modes of inheritance.
Familial isolated arrhythmogenic right ventricular dysplasia. Identifiers: Orphanet 217656, MedGen C4274968, MONDO:0016342.

Submissions (2):

Color Diagnostics, LLC DBA Color Health
Classification: Uncertain significance for Cardiomyopathy. Last evaluated: 2023-12-05. Review status: criteria provided, single submitter. Criteria: ACMG Guidelines, 2015. Collection method: clinical testing. Allele origin: germline.
Comment: Variant of Uncertain Significance due to insufficient evidence: This missense variant is located in the extracellular cadherin domain 3 of the DSC2 protein. Computational prediction tools and conservation analyses are inconclusive regarding the impact of this variant on the protein function. Computational splicing tools suggest that this variant may not impact RNA splicing. To our knowledge, functional assays have not been performed for this variant nor has this variant been reported in individuals affected with cardiovascular disorders in the literature. This variant is rare in the general population and has been identified in 0/277264 chromosomes by the Genome Aggregation Database (gnomAD). Available evidence is insufficient to determine the pathogenicity of this variant conclusively.

All of Us Research Program, National Institutes of Health
Classification: Uncertain significance for Familial isolated arrhythmogenic right ventricular dysplasia. Last evaluated: 2023-11-30. Review status: criteria provided, single submitter. Criteria: ACMG Guidelines, 2015. Collection method: clinical testing. Allele origin: germline. Inheritance: Autosomal dominant inheritance. Observed: 1 variant allele, 1 heterozygote.
Comment: Variant of Uncertain Significance due to insufficient evidence: This missense variant is located in the extracellular cadherin domain 3 of the DSC2 protein. Computational prediction tools and conservation analyses are inconclusive regarding the impact of this variant on the protein function. Computational splicing tools suggest that this variant may not impact RNA splicing. To our knowledge, functional assays have not been performed for this variant nor has this variant been reported in individuals affected with cardiovascular disorders in the literature. This variant is rare in the general population and has been identified in 0/277264 chromosomes by the Genome Aggregation Database (gnomAD). Available evidence is insufficient to determine the pathogenicity of this variant conclusively.

This study involves interpretation of variants in research participants for the purpose of population health screening. Participant phenotype was not available at the time of variant classification. Additional details can be found in publication PMID: 35346344, PMCID: PMC8962531